The following is an entry in ClinVar:

NM_138694.4(PKHD1):c.8840_8841del (p.Ala2947fs)

Gene: PKHD1 (PKHD1 ciliary IPT domain containing fibrocystin/polyductin; minus strand). Cytogenetic location: 6p12.3.
Variant type: Deletion.
Coding change: c.8840_8841del on transcript NM_138694.4 (MANE Select); coding-DNA positions 8840 to 8841, 2 bases deleted (CT; older notation c.8840_8841delCT).
Protein change: p.Ala2947fs; shifts the reading frame from alanine 2947.
Molecular consequence: frameshift variant.
Genome position (GRCh38, 1-based): chr6:51,753,310-51,753,311, AG deleted on the plus strand (CT on the coding strand, the reverse complement: PKHD1 is on the minus strand). VCF-style (leftmost placement, unchanged base first): chr6-51753309-CAG-C. GRCh37 (hg19) VCF-style: chr6-51618107-CAG-C.
Other names: c.8840_8841del, p.Ala2947fs (NM_170724.3); short protein forms A2947fs.
Identifiers: ClinVar variation 4816785 (VCV004816785.1).

ClinVar aggregate classification (germline): Likely pathogenic (1 of 4 stars; one submission).

Conditions:
Autosomal recessive polycystic kidney disease (ARPKD). Also called: AR polycystic kidney disease. Identifiers: Orphanet 731, Orphanet 8378, MedGen C0085548, MeSH D017044, MONDO:0009889.

Submission:

Natera, Inc.
Classification: Likely pathogenic for Autosomal recessive polycystic kidney disease. Last evaluated: 2025-11-03. Review status: criteria provided, single submitter. Criteria: Natera Variant Classification Schema (03/2026). Collection method: clinical testing. Allele origin: germline.
Comment: The c.8840_8841del variant in PKHD1 is a frameshift variant predicted to shift the reading frame beginning at codon 2947 and leads to a stop codon 2 codons downstream. This variant is expected to result in nonsense mediated decay, truncation, or a dysfunctional protein product. This variant is rare in the general population with a frequency below the threshold expected for the associated phenotype(s). Given the available evidence, this variant is classified as Likely Pathogenic.